The following is an entry in ClinVar:

NM_005559.4(LAMA1):c.6454G>T (p.Asp2152Tyr)

Gene: LAMA1 (laminin subunit alpha 1; minus strand). Cytogenetic location: 18p11.31.
Variant type: single nucleotide variant.
Coding change: c.6454G>T on transcript NM_005559.4 (MANE Select); coding-DNA position 6454, G replaced by T.
Protein change: p.Asp2152Tyr; replaces aspartic acid 2152 with tyrosine.
Molecular consequence: missense variant.
Genome position (GRCh38, 1-based): chr18:6,975,972, C>A on the plus strand (G>T on the coding strand, the complement: LAMA1 is on the minus strand). VCF-style: chr18-6975972-C-A. GRCh37 (hg19) VCF-style: chr18-6975971-C-A.
Other names: short protein forms D2152Y.
Identifiers: ClinVar variation 4998683 (VCV004998683.1).

ClinVar aggregate classification (germline): Uncertain significance (1 of 4 stars; one submission).

Conditions:
LAMA1-related disorder. Also called: LAMA1-related disorders; LAMA1-related condition.

Submission:

PreventionGenetics, part of Exact Sciences
Classification: Uncertain significance for LAMA1-related condition. Last evaluated: 2025-07-25. Review status: criteria provided, single submitter. Criteria: ACMG Guidelines, 2015. Collection method: clinical testing. Allele origin: germline.
Comment: The LAMA1 c.6454G>T variant is predicted to result in the amino acid substitution p.Asp2152Tyr. To our knowledge, this variant has not been reported in the literature or in a large population database (gnomAD), indicating this variant is rare. At this time, the clinical significance of this variant is uncertain due to the absence of conclusive functional and genetic evidence.